The following is an entry in ClinVar:

NM_000093.5(COL5A1):c.4381C>G (p.Pro1461Ala)

Gene: COL5A1 (collagen type V alpha 1 chain; plus strand). Cytogenetic location: 9q34.3.
Variant type: single nucleotide variant.
Coding change: c.4381C>G on transcript NM_000093.5 (MANE Select); coding-DNA position 4381, C replaced by G.
Protein change: p.Pro1461Ala; replaces proline 1461 with alanine.
Molecular consequence: missense variant.
Genome position (GRCh38, 1-based): chr9:134,818,890, C>G. VCF-style: chr9-134818890-C-G. GRCh37 (hg19) VCF-style: chr9-137710736-C-G.
Other names: c.4381C>G, p.Pro1461Ala (NM_001278074.1); short protein forms P1461A.
Identifiers: ClinVar variation 2420358 (VCV002420358.11), dbSNP rs746849085, ClinGen allele CA375457436.

ClinVar aggregate classification (germline): Uncertain significance (1 of 4 stars; one submission).

Conditions:
Ehlers-Danlos syndrome, classic type, 1 (EDSCL1). Also called: EHLERS-DANLOS SYNDROME, GRAVIS TYPE; EHLERS-DANLOS SYNDROME, SEVERE CLASSIC TYPE; Ehlers-Danlos Syndrome, Classic Type, COL5A1-Related; Ehlers-Danlos syndrome, type 1; EDS I. Identifiers: MedGen C0268335, MONDO:0019567, OMIM 130000.

Submission:

Labcorp Genetics (formerly Invitae), Labcorp
Classification: Uncertain significance for Ehlers-Danlos syndrome, classic type, 1. Last evaluated: 2023-02-10. Review status: criteria provided, single submitter. Criteria: Invitae Variant Classification Sherloc (09022015). Collection method: clinical testing. Allele origin: germline.
Comment: In summary, the available evidence is currently insufficient to determine the role of this variant in disease. Therefore, it has been classified as a Variant of Uncertain Significance. Advanced modeling of protein sequence and biophysical properties (such as structural, functional, and spatial information, amino acid conservation, physicochemical variation, residue mobility, and thermodynamic stability) has been performed at Invitae for this missense variant, however the output from this modeling did not meet the statistical confidence thresholds required to predict the impact of this variant on COL5A1 protein function. This variant has not been reported in the literature in individuals affected with COL5A1-related conditions. This variant is not present in population databases (gnomAD no frequency). This sequence change replaces proline, which is neutral and non-polar, with alanine, which is neutral and non-polar, at codon 1461 of the COL5A1 protein (p.Pro1461Ala).